The following is an entry in ClinVar:

NM_002180.3(IGHMBP2):c.70G>A (p.Glu24Lys)

Gene: IGHMBP2 (immunoglobulin mu DNA binding protein 2; plus strand). Cytogenetic location: 11q13.3.
Variant type: single nucleotide variant.
Coding change: c.70G>A on transcript NM_002180.3 (MANE Select); coding-DNA position 70, G replaced by A.
Protein change: p.Glu24Lys; replaces glutamic acid 24 with lysine.
Molecular consequence: missense variant.
Genome position (GRCh38, 1-based): chr11:68,904,022, G>A. VCF-style: chr11-68904022-G-A. GRCh37 (hg19) VCF-style: chr11-68671490-G-A.
Other names: short protein forms E24K.
Identifiers: ClinVar variation 2084583 (VCV002084583.4), dbSNP rs2495929873, ClinGen allele CA381641464.
Genomic context (GRCh38, chr11:68,904,022, plus strand): 5'-GCAGCTGTGGAGAGCTTCGTGACCAAGCAACTGGACCTGCTGGAGCTTGAGAGAGACGCG[G>A]AGGTGGAGGAGCGCAGGTACGGGAGGCCGCCGGCGCCGCTCCCTCGCGGTCGGTCCCGCC-3'
Protein context (NP_002171.2, residues 14-34): LDLLELERDA[Glu24Lys]VEERRSWQEN

ClinVar aggregate classification (germline): Uncertain significance (1 of 4 stars; one submission).

Conditions:
Charcot-Marie-Tooth disease axonal type 2S. Also called: CHARCOT-MARIE-TOOTH NEUROPATHY, TYPE 2S; CHARCOT-MARIE-TOOTH DISEASE, AXONAL, AUTOSOMAL RECESSIVE, TYPE 2S. Identifiers: Orphanet 443073, MedGen C4015349, MONDO:0014511, OMIM 616155.
Autosomal recessive distal spinal muscular atrophy 1. Also called: NEURONOPATHY, DISTAL HEREDITARY MOTOR, HARDING TYPE VI; NEUROPATHY, DISTAL HEREDITARY MOTOR, AUTOSOMAL RECESSIVE 1; SEVERE INFANTILE AXONAL NEUROPATHY WITH RESPIRATORY FAILURE; SPINAL MUSCULAR ATROPHY, DIAPHRAGMATIC; Spinal muscular atrophy with respiratory distress 1; HMN VI. Identifiers: Orphanet 98920, MedGen C1858517, MONDO:0011436, OMIM 604320.

Submission:

Labcorp Genetics (formerly Invitae), Labcorp
Classification: Uncertain significance for Autosomal recessive distal spinal muscular atrophy 1; Charcot-Marie-Tooth disease axonal type 2S. Last evaluated: 2022-01-20. Review status: criteria provided, single submitter. Criteria: Invitae Variant Classification Sherloc (09022015). Collection method: clinical testing. Allele origin: germline.
Comment: In summary, the available evidence is currently insufficient to determine the role of this variant in disease. Therefore, it has been classified as a Variant of Uncertain Significance. Advanced modeling of protein sequence and biophysical properties (such as structural, functional, and spatial information, amino acid conservation, physicochemical variation, residue mobility, and thermodynamic stability) performed at Invitae indicates that this missense variant is expected to disrupt IGHMBP2 protein function. This variant has not been reported in the literature in individuals affected with IGHMBP2-related conditions. This variant is not present in population databases (gnomAD no frequency). This sequence change replaces glutamic acid, which is acidic and polar, with lysine, which is basic and polar, at codon 24 of the IGHMBP2 protein (p.Glu24Lys).